The following is an entry in ClinVar:

ClinVar aggregate classification (germline): Uncertain significance (1 of 4 stars; one submission).

Allele frequency attached by ClinVar (database versions not stated): gnomAD exomes below 0.00001; TOPMed 0.00002; gnomAD 0.00004.
gnomAD v4.1: 5 of 1,210,053 alleles (0.00041%); highest among the groups gnomAD compares: African/African-American, 0.0088%; no homozygotes.

Submission:

Labcorp Genetics (formerly Invitae), Labcorp
Classification: Uncertain significance. Last evaluated: 2023-10-18. Review status: criteria provided, single submitter. Criteria: Invitae Variant Classification Sherloc (09022015). Collection method: clinical testing. Allele origin: germline.
Comment: This sequence change replaces threonine, which is neutral and polar, with alanine, which is neutral and non-polar, at codon 899 of the TLR7 protein (p.Thr899Ala). This variant is present in population databases (no rsID available, gnomAD 0.03%). This variant has not been reported in the literature in individuals affected with TLR7-related conditions. An algorithm developed to predict the effect of missense changes on protein structure and function (PolyPhen-2) suggests that this variant is likely to be disruptive. In summary, the available evidence is currently insufficient to determine the role of this variant in disease. Therefore, it has been classified as a Variant of Uncertain Significance.

NM_016562.4(TLR7):c.2695A>G (p.Thr899Ala)

Gene: TLR7 (toll like receptor 7; plus strand). Cytogenetic location: Xp22.2.
Variant type: single nucleotide variant.
Coding change: c.2695A>G on transcript NM_016562.4 (MANE Select); coding-DNA position 2695, A replaced by G.
Protein change: p.Thr899Ala; replaces threonine 899 with alanine.
Molecular consequence: missense variant.
Genome position (GRCh38, 1-based): chrX:12,888,203, A>G. VCF-style: chrX-12888203-A-G. GRCh37 (hg19) VCF-style: chrX-12906322-A-G.
Other names: short protein forms T899A.
Identifiers: ClinVar variation 2776680 (VCV002776680.3), dbSNP rs1422109099, ClinGen allele CA412411352.